The following is an entry in ClinVar:

ClinVar aggregate classification (germline): Uncertain significance (1 of 4 stars; one submission).

gnomAD v4.1: 1 of 1,597,914 alleles (0.000063%); highest among the groups gnomAD compares: South Asian, 0.0011%; no homozygotes.

Submission:

Labcorp Genetics (formerly Invitae), Labcorp
Classification: Uncertain significance. Last evaluated: 2024-12-26. Review status: criteria provided, single submitter. Criteria: Invitae Variant Classification Sherloc (09022015). Collection method: clinical testing. Allele origin: germline.
Comment: This sequence change replaces proline, which is neutral and non-polar, with serine, which is neutral and polar, at codon 751 of the REST protein (p.Pro751Ser). This variant is present in population databases (no rsID available, gnomAD 0.003%). This variant has not been reported in the literature in individuals affected with REST-related conditions. An algorithm developed to predict the effect of missense changes on protein structure and function (PolyPhen-2) suggests that this variant is likely to be tolerated. In summary, the available evidence is currently insufficient to determine the role of this variant in disease. Therefore, it has been classified as a Variant of Uncertain Significance.

NM_005612.5(REST):c.2251C>T (p.Pro751Ser)

Gene: REST (RE1 silencing transcription factor; plus strand). Cytogenetic location: 4q12.
Variant type: single nucleotide variant.
Coding change: c.2251C>T on transcript NM_005612.5 (MANE Select); coding-DNA position 2251, C replaced by T.
Protein change: p.Pro751Ser; replaces proline 751 with serine.
Molecular consequence: missense variant.
Genome position (GRCh38, 1-based): chr4:56,931,109, C>T. VCF-style: chr4-56931109-C-T. GRCh37 (hg19) VCF-style: chr4-57797275-C-T.
Other names: c.2251C>T, p.Pro751Ser (NM_001193508.2, NM_001363453.3); short protein forms P751S.
Identifiers: ClinVar variation 3716144 (VCV003716144.2).